The following is an entry in ClinVar:

ClinVar aggregate classification (germline): Uncertain significance (1 of 4 stars; one submission).

Submission:

Ambry Genetics
Classification: Uncertain significance. Last evaluated: 2023-11-06. Review status: criteria provided, single submitter. Criteria: Ambry Variant Classification Scheme 2023. Collection method: clinical testing. Allele origin: germline.
Comment: The p.H1064Y variant (also known as c.3190C>T), located in coding exon 18 of the PALLD gene, results from a C to T substitution at nucleotide position 3190. The histidine at codon 1064 is replaced by tyrosine, an amino acid with similar properties. This amino acid position is conserved. In addition, this alteration is predicted to be tolerated by in silico analysis. Since supporting evidence is limited at this time, the clinical significance of this alteration remains unclear.

NM_001166108.2(PALLD):c.3241C>T (p.His1081Tyr)

Genes: CBR4 (carbonyl reductase 4; minus strand), PALLD (palladin, cytoskeletal associated protein; plus strand). Cytogenetic location: 4q32.3.
Variant type: single nucleotide variant.
Coding change: c.3241C>T on transcript NM_001166108.2 (MANE Select); coding-DNA position 3241, C replaced by T.
Protein change: p.His1081Tyr; replaces histidine 1081 with tyrosine.
Molecular consequence: missense variant.
Genome position (GRCh38, 1-based): chr4:168,924,961, C>T. VCF-style: chr4-168924961-C-T. GRCh37 (hg19) VCF-style: chr4-169846112-C-T.
Other names: c.2044C>T, p.His682Tyr (NM_001166109.2); c.1729C>T, p.His577Tyr (NM_001166110.2); c.1069C>T, p.His357Tyr (NM_001367567.1, NM_001367569.1); c.1120C>T, p.His374Tyr (NM_001367568.1, NM_001367570.1); c.3190C>T, p.His1064Tyr (NM_016081.4); short protein forms H374Y, H682Y, H1064Y, H1081Y, H357Y, H577Y.
Identifiers: ClinVar variation 1728665 (VCV001728665.2), dbSNP rs2534267343, ClinGen allele CA358713534.